The following is an entry in ClinVar:

ClinVar aggregate classification (germline): Uncertain significance (1 of 4 stars; one submission).

Conditions:
Kleefstra syndrome 1 (KLEFS1). Identifiers: Orphanet 261494, MedGen C0795833, MONDO:0027407, OMIM 610253.

Submission:

Labcorp Genetics (formerly Invitae), Labcorp
Classification: Uncertain significance for Kleefstra syndrome 1. Last evaluated: 2022-03-25. Review status: criteria provided, single submitter. Criteria: Invitae Variant Classification Sherloc (09022015). Collection method: clinical testing. Allele origin: germline.
Comment: In summary, the available evidence is currently insufficient to determine the role of this variant in disease. Therefore, it has been classified as a Variant of Uncertain Significance. Variants that disrupt the consensus splice site are a relatively common cause of aberrant splicing (PMID: 17576681, 9536098). Algorithms developed to predict the effect of sequence changes on RNA splicing suggest that this variant may disrupt the consensus splice site. Algorithms developed to predict the effect of missense changes on protein structure and function (SIFT, PolyPhen-2, Align-GVGD) all suggest that this variant is likely to be disruptive. This variant has not been reported in the literature in individuals affected with EHMT1-related conditions. This variant is not present in population databases (gnomAD no frequency). This sequence change replaces lysine, which is basic and polar, with asparagine, which is neutral and polar, at codon 835 of the EHMT1 protein (p.Lys835Asn). This variant also falls at the last nucleotide of exon 16, which is part of the consensus splice site for this exon.

Literature cited by the submitters: PubMed 17576681; PubMed 9536098.

NM_024757.5(EHMT1):c.2505G>T (p.Lys835Asn)

Gene: EHMT1 (euchromatic histone lysine methyltransferase 1; plus strand). Cytogenetic location: 9q34.3.
Variant type: single nucleotide variant.
Coding change: c.2505G>T on transcript NM_024757.5 (MANE Select); coding-DNA position 2505, G replaced by T.
Protein change: p.Lys835Asn; replaces lysine 835 with asparagine.
Molecular consequence: missense variant.
Genome position (GRCh38, 1-based): chr9:137,790,970, G>T. VCF-style: chr9-137790970-G-T. GRCh37 (hg19) VCF-style: chr9-140685422-G-T.
Other names: c.2412G>T, p.Lys804Asn (NM_001354259.2); c.2484G>T, p.Lys828Asn (NM_001354263.2); short protein forms K804N, K835N, K828N.
Identifiers: ClinVar variation 2116833 (VCV002116833.4), dbSNP rs2538204174, ClinGen allele CA375785687.